The following is an entry in ClinVar:

NM_080680.3(COL11A2):c.4748A>G (p.Asp1583Gly)

Gene: COL11A2 (collagen type XI alpha 2 chain; minus strand). Cytogenetic location: 6p21.32.
Variant type: single nucleotide variant.
Coding change: c.4748A>G on transcript NM_080680.3 (MANE Select); coding-DNA position 4748, A replaced by G.
Protein change: p.Asp1583Gly; replaces aspartic acid 1583 with glycine.
Molecular consequence: missense variant.
Genome position (GRCh38, 1-based): chr6:33,165,551, T>C on the plus strand (A>G on the coding strand, the complement: COL11A2 is on the minus strand). VCF-style: chr6-33165551-T-C. GRCh37 (hg19) VCF-style: chr6-33133328-T-C.
Other names: c.4427A>G, p.Asp1476Gly (NM_080679.3); c.4490A>G, p.Asp1497Gly (NM_080681.3); short protein forms D1476G, D1497G, D1583G.
Identifiers: ClinVar variation 1307826 (VCV001307826.28), dbSNP rs779832829, ClinGen allele CA3750011.

ClinVar aggregate classification (germline): Uncertain significance. Review status: criteria provided, multiple submitters, no conflicts (2 of 4 stars). 3 submissions from 3 submitters: Uncertain significance (3). Last evaluated 2025-05-23.

Allele frequency attached by ClinVar (database versions not stated): gnomAD exomes below 0.00001 and 0.00002; ExAC 0.00001; gnomAD 0.00001; TOPMed 0.00001.
gnomAD v4.1: 23 of 1,612,596 alleles (0.0014%); highest among the groups gnomAD compares: Non-Finnish European, 0.0019%; no homozygotes.

Submissions (3):

Labcorp Genetics (formerly Invitae), Labcorp
Classification: Uncertain significance. Last evaluated: 2025-05-23. Review status: criteria provided, single submitter. Criteria: Invitae Variant Classification Sherloc (09022015). Collection method: clinical testing. Allele origin: germline.
Comment: This sequence change replaces aspartic acid, which is acidic and polar, with glycine, which is neutral and non-polar, at codon 1583 of the COL11A2 protein (p.Asp1583Gly). This variant is present in population databases (rs779832829, gnomAD 0.0009%). This variant has not been reported in the literature in individuals affected with COL11A2-related conditions. ClinVar contains an entry for this variant (Variation ID: 1307826). Experimental studies and prediction algorithms are not available or were not evaluated, and the functional significance of this variant is currently unknown. Algorithms developed to predict the effect of sequence changes on RNA splicing suggest that this variant may disrupt the consensus splice site. In summary, the available evidence is currently insufficient to determine the role of this variant in disease. Therefore, it has been classified as a Variant of Uncertain Significance.

CeGaT Center for Human Genetics Tuebingen
Classification: Uncertain significance. Last evaluated: 2023-07-01. Review status: criteria provided, single submitter. Criteria: CeGaT Center For Human Genetics Tuebingen Variant Classification Criteria Version 2. Collection method: clinical testing. Allele origin: germline. Affected: yes. Observed: 1 variant allele.

GeneDx
Classification: Uncertain significance. Last evaluated: 2019-08-15. Review status: criteria provided, single submitter. Criteria: GeneDx Variant Classification Process June 2021. Collection method: clinical testing. Allele origin: germline. Affected: yes.
Comment: Not observed at a significant frequency in large population cohorts (Lek et al., 2016); In silico analysis, which includes protein predictors and evolutionary conservation, supports a deleterious effect; In-silico analysis, which includes splice predictors and evolutionary conservation, is inconclusive as to whether the variant alters gene splicing. In the absence of RNA/functional studies, the actual effect of this sequence change is unknown; Has not been previously published as pathogenic or benign to our knowledge